The following is an entry in ClinVar:

ClinVar aggregate classification (germline): Uncertain significance. Review status: criteria provided, multiple submitters, no conflicts (2 of 4 stars). 2 submissions from 2 submitters: Uncertain significance (2). Last evaluated 2024-04-10.

Conditions:
Cenani-Lenz syndactyly syndrome. Also called: SYNDACTYLY, TYPE VII; CENANI SYNDACTYLISM. Identifiers: Orphanet 3258, MedGen C1859309, MONDO:0008931, OMIM 212780.
Sclerosteosis 2 (SOST2). Identifiers: Orphanet 3152, MedGen C3280402, MONDO:0013679, OMIM 614305.
Congenital myasthenic syndrome 17. Identifiers: Orphanet 590, MedGen C4225377, MONDO:0014578, OMIM 616304.

Allele frequency attached by ClinVar (database versions not stated): ExAC 0.00001; gnomAD exomes 0.00001.
gnomAD v4.1: 21 of 1,614,144 alleles (0.0013%); highest among the groups gnomAD compares: Non-Finnish European, 0.0017%; no homozygotes.

Submissions (2):

Fulgent Genetics
Classification: Uncertain significance for Cenani-Lenz syndactyly syndrome; Sclerosteosis 2; Congenital myasthenic syndrome 17. Last evaluated: 2024-04-10. Review status: criteria provided, single submitter. Criteria: ACMG Guidelines, 2015. Collection method: clinical testing. Allele origin: germline.

Labcorp Genetics (formerly Invitae), Labcorp
Classification: Uncertain significance for Cenani-Lenz syndactyly syndrome; Sclerosteosis 2; Congenital myasthenic syndrome 17. Last evaluated: 2022-01-16. Review status: criteria provided, single submitter. Criteria: Invitae Variant Classification Sherloc (09022015). Collection method: clinical testing. Allele origin: germline.
Comment: In summary, the available evidence is currently insufficient to determine the role of this variant in disease. Therefore, it has been classified as a Variant of Uncertain Significance. Algorithms developed to predict the effect of missense changes on protein structure and function are either unavailable or do not agree on the potential impact of this missense change (SIFT: "Deleterious"; PolyPhen-2: "Benign"; Align-GVGD: "Class C0"). This variant has not been reported in the literature in individuals affected with LRP4-related conditions. This variant is present in population databases (rs780961481, gnomAD 0.003%). This sequence change replaces threonine, which is neutral and polar, with proline, which is neutral and non-polar, at codon 1282 of the LRP4 protein (p.Thr1282Pro).

NM_002334.4(LRP4):c.3844A>C (p.Thr1282Pro)

Gene: LRP4 (LDL receptor related protein 4; minus strand). Cytogenetic location: 11p11.2.
Variant type: single nucleotide variant.
Coding change: c.3844A>C on transcript NM_002334.4 (MANE Select); coding-DNA position 3844, A replaced by C.
Protein change: p.Thr1282Pro; replaces threonine 1282 with proline.
Molecular consequence: missense variant.
Genome position (GRCh38, 1-based): chr11:46,875,537, T>G on the plus strand (A>C on the coding strand, the complement: LRP4 is on the minus strand). VCF-style: chr11-46875537-T-G. GRCh37 (hg19) VCF-style: chr11-46897088-T-G.
Other names: short protein forms T1282P.
Identifiers: ClinVar variation 2157318 (VCV002157318.5), dbSNP rs780961481, ClinGen allele CA5969473.
Genomic context (GRCh38, chr11:46,875,537, plus strand): 5'-CAGCCTGCATGTCCATGAGGCCTGGCAGGTTGGACCTCACGAGGATGACATTGCTGCCAG[T>G]ACCCTTGTCAGCACGGTGGATGCTCCGAGTCTGCCAGTCAGTCCAGTAGATATAGGAGTC-3'
Protein context (NP_002325.2, residues 1272-1292): TRSIHRADKG[Thr1282Pro]GSNVILVRSN